The following is an entry in ClinVar:

NM_001378454.1(ALMS1):c.8831A>G (p.Glu2944Gly)

Gene: ALMS1 (ALMS1 centrosome and basal body associated protein; plus strand). Cytogenetic location: 2p13.1.
Variant type: single nucleotide variant.
Coding change: c.8831A>G on transcript NM_001378454.1 (MANE Select); coding-DNA position 8831, A replaced by G.
Protein change: p.Glu2944Gly; replaces glutamic acid 2944 with glycine.
Molecular consequence: missense variant.
Genome position (GRCh38, 1-based): chr2:73,490,790, A>G. VCF-style: chr2-73490790-A-G. GRCh37 (hg19) VCF-style: chr2-73717917-A-G.
Other names: c.8834A>G, p.Glu2945Gly (NM_015120.4); short protein forms E2944G, E2945G.
Identifiers: ClinVar variation 2634089 (VCV002634089.1), dbSNP rs2466217883, ClinGen allele CA347270794.

ClinVar aggregate classification (germline): Uncertain significance (1 of 4 stars; one submission).

Conditions:
ALMS1-related disorder. Also called: ALMS1-related condition.

Allele frequency attached by ClinVar (database versions not stated): gnomAD exomes below 0.00001.
gnomAD v4.1: 1 of 1,614,080 alleles (0.000062%); highest among the groups gnomAD compares: Non-Finnish European, 0.000085%; no homozygotes.

Submission:

PreventionGenetics, part of Exact Sciences
Classification: Uncertain significance for ALMS1-related condition. Last evaluated: 2023-08-10. Review status: criteria provided, single submitter. Criteria: ACMG Guidelines, 2015. Collection method: clinical testing. Allele origin: germline.
Comment: The ALMS1 c.8834A>G variant is predicted to result in the amino acid substitution p.His2945Arg. To our knowledge, this variant has not been reported in the literature. This variant is reported in 0.13% of alleles in individuals of South Asian descent in gnomAD. Although we suspect that this variant may be benign, at this time, the clinical significance of this variant is uncertain due to the absence of conclusive functional and genetic evidence.